The following is an entry in ClinVar:

NM_000038.6(APC):c.3155C>A (p.Pro1052His)

Gene: APC (APC regulator of Wnt signaling pathway; plus strand). Cytogenetic location: 5q22.2.
Variant type: single nucleotide variant.
Coding change: c.3155C>A on transcript NM_000038.6 (MANE Select); coding-DNA position 3155, C replaced by A.
Protein change: p.Pro1052His; replaces proline 1052 with histidine.
Molecular consequence: missense variant. On other transcripts: non-coding transcript variant (2).
Genome position (GRCh38, 1-based): chr5:112,838,749, C>A. VCF-style: chr5-112838749-C-A. GRCh37 (hg19) VCF-style: chr5-112174446-C-A.
Other names: c.3155C>A, p.Pro1052His (NM_001127510.3, NM_001354895.2, NM_001407450.1); c.3101C>A, p.Pro1034His (NM_001127511.3); c.3209C>A, p.Pro1070His (NM_001354896.2, NM_001407447.1, NM_001407448.1 and 1 more transcripts); c.3185C>A, p.Pro1062His (NM_001354897.2); c.3080C>A, p.Pro1027His (NM_001354898.2); c.3071C>A, p.Pro1024His (NM_001354899.2); c.3032C>A, p.Pro1011His (NM_001354900.2); c.2978C>A, p.Pro993His (NM_001354901.2, NM_001407453.1); and 11 more; short protein forms P1027H, P1080H, P923H, P961H, P993H, P1045H, P1052H, P1062H.
Identifiers: ClinVar variation 4577364 (VCV004577364.1).

ClinVar aggregate classification (germline): Uncertain significance (1 of 4 stars; one submission).

Conditions:
Hereditary cancer-predisposing syndrome. Also called: Neoplastic Syndromes, Hereditary; Tumor predisposition; Hereditary Cancer Syndrome; Hereditary neoplastic syndrome. Identifiers: Orphanet 140162, MedGen C0027672, MeSH D009386, MONDO:0015356.

Submission:

Ambry Genetics
Classification: Uncertain significance for Hereditary cancer-predisposing syndrome. Last evaluated: 2025-09-21. Review status: criteria provided, single submitter. Criteria: Ambry Variant Classification Scheme 2023. Collection method: clinical testing. Allele origin: germline.
Comment: The p.P1052H variant (also known as c.3155C>A), located in coding exon 15 of the APC gene, results from a C to A substitution at nucleotide position 3155. The proline at codon 1052 is replaced by histidine, an amino acid with similar properties. This amino acid position is conserved. In addition, in silico predictors for this gene do not accurately predict pathogenicity. Based on the available evidence, the clinical significance of this variant remains unclear.